The following is an entry in ClinVar:

NM_031935.3(HMCN1):c.16273G>A (p.Ala5425Thr)

Gene: HMCN1 (hemicentin 1; plus strand). Cytogenetic location: 1q31.1.
Variant type: single nucleotide variant.
Coding change: c.16273G>A on transcript NM_031935.3 (MANE Select); coding-DNA position 16273, G replaced by A.
Protein change: p.Ala5425Thr; replaces alanine 5425 with threonine.
Molecular consequence: missense variant.
Genome position (GRCh38, 1-based): chr1:186,178,745, G>A. VCF-style: chr1-186178745-G-A. GRCh37 (hg19) VCF-style: chr1-186147877-G-A.
Other names: short protein forms A5425T.
Identifiers: ClinVar variation 2230440 (VCV002230440.5), dbSNP rs147894950, ClinGen allele CA1295499.

ClinVar aggregate classification (germline): Uncertain significance. Review status: criteria provided, multiple submitters, no conflicts (2 of 4 stars). 2 submissions from 2 submitters: Uncertain significance (2). Last evaluated 2024-03-12.

Allele frequency attached by ClinVar (database versions not stated): gnomAD exomes 0.00001; gnomAD 0.00003; TOPMed 0.00005; ExAC 0.00006; 1000 Genomes Project 30x 0.00016; 1000 Genomes Project 0.00020.
gnomAD v4.1: 21 of 1,611,934 alleles (0.0013%); highest among the groups gnomAD compares: African/African-American, 0.0027%; no homozygotes.

Submissions (2):

Labcorp Genetics (formerly Invitae), Labcorp
Classification: Uncertain significance. Last evaluated: 2024-03-12. Review status: criteria provided, single submitter. Criteria: Invitae Variant Classification Sherloc (09022015). Collection method: clinical testing. Allele origin: germline.
Comment: This sequence change replaces alanine, which is neutral and non-polar, with threonine, which is neutral and polar, at codon 5425 of the HMCN1 protein (p.Ala5425Thr). This variant is present in population databases (rs147894950, gnomAD 0.01%). This variant has not been reported in the literature in individuals affected with HMCN1-related conditions. ClinVar contains an entry for this variant (Variation ID: 2230440). An algorithm developed to predict the effect of missense changes on protein structure and function (PolyPhen-2) suggests that this variant is likely to be tolerated. In summary, the available evidence is currently insufficient to determine the role of this variant in disease. Therefore, it has been classified as a Variant of Uncertain Significance.

Ambry Genetics
Classification: Uncertain significance. Last evaluated: 2022-12-15. Review status: criteria provided, single submitter. Criteria: Ambry Variant Classification Scheme 2023. Collection method: clinical testing. Allele origin: germline.